The following is an entry in ClinVar:

ClinVar aggregate classification (germline): Uncertain significance. Review status: criteria provided, multiple submitters, no conflicts (2 of 4 stars). 2 submissions from 2 submitters: Uncertain significance (2). Last evaluated 2024-06-10.

Conditions:
Inborn genetic diseases. Identifiers: MedGen C0950123, MeSH D030342.
Acrocallosal syndrome (ACLS). Also called: HALLUX DUPLICATION, POSTAXIAL POLYDACTYLY, AND ABSENCE OF CORPUS CALLOSUM; Schinzel syndrome 1; Absence of corpus callosum with unusual facial appearance, mental deficiency, duplication of the halluces and polydactyly. Identifiers: Orphanet 36, MedGen C0796147, MONDO:0008708, OMIM 200990.

Allele frequency attached by ClinVar (database versions not stated): gnomAD exomes 0.00002 and 0.00007; ExAC 0.00003; TOPMed 0.00003.
gnomAD v4.1: 99 of 1,612,180 alleles (0.0061%); highest among the groups gnomAD compares: Non-Finnish European, 0.0081%; no homozygotes.

Submissions (2):

Ambry Genetics
Classification: Uncertain significance for Inborn genetic diseases. Last evaluated: 2024-06-10. Review status: criteria provided, single submitter. Criteria: Ambry Variant Classification Scheme 2023. Collection method: clinical testing. Allele origin: germline.

Labcorp Genetics (formerly Invitae), Labcorp
Classification: Uncertain significance for Acrocallosal syndrome. Last evaluated: 2021-08-24. Review status: criteria provided, single submitter. Criteria: Invitae Variant Classification Sherloc (09022015). Collection method: clinical testing. Allele origin: germline.
Comment: This sequence change replaces glutamine with proline at codon 829 of the KIF7 protein (p.Gln829Pro). The glutamine residue is highly conserved and there is a moderate physicochemical difference between glutamine and proline. This variant is present in population databases (rs768110060, ExAC 0.006%). This variant has not been reported in the literature in individuals affected with KIF7-related conditions. Algorithms developed to predict the effect of missense changes on protein structure and function (SIFT, PolyPhen-2, Align-GVGD) all suggest that this variant is likely to be disruptive. In summary, the available evidence is currently insufficient to determine the role of this variant in disease. Therefore, it has been classified as a Variant of Uncertain Significance.

NM_198525.3(KIF7):c.2486A>C (p.Gln829Pro)

Gene: KIF7 (kinesin family member 7; minus strand). Cytogenetic location: 15q26.1.
Variant type: single nucleotide variant.
Coding change: c.2486A>C on transcript NM_198525.3 (MANE Select); coding-DNA position 2486, A replaced by C.
Protein change: p.Gln829Pro; replaces glutamine 829 with proline.
Molecular consequence: missense variant.
Genome position (GRCh38, 1-based): chr15:89,633,792, T>G on the plus strand (A>C on the coding strand, the complement: KIF7 is on the minus strand). VCF-style: chr15-89633792-T-G. GRCh37 (hg19) VCF-style: chr15-90177023-T-G.
Other names: c.2486A>C (NM_198525.2); short protein forms Q829P.
Identifiers: ClinVar variation 1058691 (VCV001058691.7), dbSNP rs768110060, ClinGen allele CA7728132.